The following is an entry in ClinVar:

ClinVar aggregate classification (germline): Uncertain significance (1 of 4 stars; one submission).

Conditions:
Charcot-Marie-Tooth disease axonal type 2O. Also called: Charcot-Marie-Tooth disease, axonal, type 20; CHARCOT-MARIE-TOOTH NEUROPATHY, AXONAL, TYPE 2O; CHARCOT-MARIE-TOOTH DISEASE, AXONAL, AUTOSOMAL DOMINANT, TYPE 2O; Charcot-Marie-Tooth Neuropathy Type 2O. Identifiers: Orphanet 284232, MedGen C3280220, MONDO:0013644, OMIM 614228.

Submission:

Labcorp Genetics (formerly Invitae), Labcorp
Classification: Uncertain significance for Charcot-Marie-Tooth disease axonal type 2O. Last evaluated: 2024-11-24. Review status: criteria provided, single submitter. Criteria: Invitae Variant Classification Sherloc (09022015). Collection method: clinical testing. Allele origin: germline.
Comment: This sequence change replaces glutamic acid, which is acidic and polar, with lysine, which is basic and polar, at codon 1564 of the DYNC1H1 protein (p.Glu1564Lys). This variant is not present in population databases (gnomAD no frequency). This variant has not been reported in the literature in individuals affected with DYNC1H1-related conditions. Invitae Evidence Modeling of protein sequence and biophysical properties (such as structural, functional, and spatial information, amino acid conservation, physicochemical variation, residue mobility, and thermodynamic stability) indicates that this missense variant is expected to disrupt DYNC1H1 protein function with a positive predictive value of 95%. In summary, the available evidence is currently insufficient to determine the role of this variant in disease. Therefore, it has been classified as a Variant of Uncertain Significance.

NM_001376.5(DYNC1H1):c.4690G>A (p.Glu1564Lys)

Gene: DYNC1H1 (dynein cytoplasmic 1 heavy chain 1; plus strand). Cytogenetic location: 14q32.31.
Variant type: single nucleotide variant.
Coding change: c.4690G>A on transcript NM_001376.5 (MANE Select); coding-DNA position 4690, G replaced by A.
Protein change: p.Glu1564Lys; replaces glutamic acid 1564 with lysine.
Molecular consequence: missense variant.
Genome position (GRCh38, 1-based): chr14:102,002,684, G>A. VCF-style: chr14-102002684-G-A. GRCh37 (hg19) VCF-style: chr14-102469021-G-A.
Other names: short protein forms E1564K.
Identifiers: ClinVar variation 3636144 (VCV003636144.2).